The following is an entry in ClinVar:

NM_138387.4(G6PC3):c.799T>G (p.Ser267Ala)

Gene: G6PC3 (glucose-6-phosphatase catalytic subunit 3; plus strand). Cytogenetic location: 17q21.31.
Variant type: single nucleotide variant.
Coding change: c.799T>G on transcript NM_138387.4 (MANE Select); coding-DNA position 799, T replaced by G.
Protein change: p.Ser267Ala; replaces serine 267 with alanine.
Molecular consequence: missense variant. On other transcripts: 3 prime UTR variant (1).
Genome position (GRCh38, 1-based): chr17:44,075,801, T>G. VCF-style: chr17-44075801-T-G. GRCh37 (hg19) VCF-style: chr17-42153169-T-G.
Other names: c.454T>G, p.Ser152Ala (NM_001384168.1, NM_001384165.1, NM_001384166.1 and 1 more transcripts); c.*92T>G (NM_001319945.2); short protein forms S267A, S152A.
Identifiers: ClinVar variation 3680871 (VCV003680871.2).

ClinVar aggregate classification (germline): Uncertain significance (1 of 4 stars; one submission).

Conditions:
Autosomal recessive severe congenital neutropenia due to G6PC3 deficiency. Also called: NEUTROPENIA, SEVERE CONGENITAL, 4, AUTOSOMAL RECESSIVE; G6PC3 Deficiency. Identifiers: Orphanet 331176, MedGen C2751630, MONDO:0012930, OMIM 612541.

Submission:

Labcorp Genetics (formerly Invitae), Labcorp
Classification: Uncertain significance for Autosomal recessive severe congenital neutropenia due to G6PC3 deficiency. Last evaluated: 2024-04-19. Review status: criteria provided, single submitter. Criteria: Invitae Variant Classification Sherloc (09022015). Collection method: clinical testing. Allele origin: germline.
Comment: This sequence change replaces serine, which is neutral and polar, with alanine, which is neutral and non-polar, at codon 267 of the G6PC3 protein (p.Ser267Ala). This variant is not present in population databases (gnomAD no frequency). This variant has not been reported in the literature in individuals affected with G6PC3-related conditions. Advanced modeling of protein sequence and biophysical properties (such as structural, functional, and spatial information, amino acid conservation, physicochemical variation, residue mobility, and thermodynamic stability) performed at Invitae indicates that this missense variant is not expected to disrupt G6PC3 protein function with a negative predictive value of 80%. In summary, the available evidence is currently insufficient to determine the role of this variant in disease. Therefore, it has been classified as a Variant of Uncertain Significance.